The following is an entry in ClinVar:

ClinVar aggregate classification (germline): Uncertain significance (1 of 4 stars; one submission).

Allele frequency attached by ClinVar (database versions not stated): gnomAD exomes below 0.00001 and 0.00002; ExAC 0.00003; gnomAD 0.00004; ESP Exome Variant Server 0.00008; TOPMed 0.00008.
gnomAD v4.1: 10 of 1,613,138 alleles (0.00062%); highest among the groups gnomAD compares: African/African-American, 0.012%; no homozygotes.

Submission:

Labcorp Genetics (formerly Invitae), Labcorp
Classification: Uncertain significance. Last evaluated: 2022-05-19. Review status: criteria provided, single submitter. Criteria: Invitae Variant Classification Sherloc (09022015). Collection method: clinical testing. Allele origin: germline.
Comment: This sequence change replaces glycine, which is neutral and non-polar, with glutamic acid, which is acidic and polar, at codon 727 of the COL18A1 protein (p.Gly727Glu). This variant is present in population databases (rs377720407, gnomAD 0.03%). This variant has not been reported in the literature in individuals affected with COL18A1-related conditions. Experimental studies and prediction algorithms are not available or were not evaluated, and the functional significance of this variant is currently unknown. In summary, the available evidence is currently insufficient to determine the role of this variant in disease. Therefore, it has been classified as a Variant of Uncertain Significance.

NM_001379500.1(COL18A1):c.2180G>A (p.Gly727Glu)

Gene: COL18A1 (collagen type XVIII alpha 1 chain; plus strand). Cytogenetic location: 21q22.3.
Variant type: single nucleotide variant.
Coding change: c.2180G>A on transcript NM_001379500.1 (MANE Select); coding-DNA position 2180, G replaced by A.
Protein change: p.Gly727Glu; replaces glycine 727 with glutamic acid.
Molecular consequence: missense variant.
Genome position (GRCh38, 1-based): chr21:45,492,557, G>A. VCF-style: chr21-45492557-G-A. GRCh37 (hg19) VCF-style: chr21-46912471-G-A.
Other names: c.2720G>A, p.Gly907Glu (NM_030582.4); c.3425G>A, p.Gly1142Glu (NM_130444.3); short protein forms G907E, G727E, G1142E.
Identifiers: ClinVar variation 1402827 (VCV001402827.4), dbSNP rs377720407, ClinGen allele CA10066876.